The following is an entry in ClinVar:

NM_022124.6(CDH23):c.9401A>G (p.Asp3134Gly)

Gene: CDH23 (cadherin related 23; plus strand). Cytogenetic location: 10q22.1.
Variant type: single nucleotide variant.
Coding change: c.9401A>G on transcript NM_022124.6 (MANE Select); coding-DNA position 9401, A replaced by G.
Protein change: p.Asp3134Gly; replaces aspartic acid 3134 with glycine.
Molecular consequence: missense variant.
Genome position (GRCh38, 1-based): chr10:71,812,500, A>G. VCF-style: chr10-71812500-A-G. GRCh37 (hg19) VCF-style: chr10-73572257-A-G.
Other names: c.2681A>G, p.Asp894Gly (NM_001171933.1, NM_001171934.1); c.92A>G, p.Asp31Gly (NM_001171935.1, NM_001171936.1); c.9401A>G (NM_022124.5); short protein forms D894G, D3134G, D31G.
Identifiers: ClinVar variation 4907969 (VCV004907969.2).

ClinVar aggregate classification (germline): Uncertain significance. Review status: criteria provided, multiple submitters, no conflicts (2 of 4 stars). 2 submissions from 2 submitters: Uncertain significance (2). Last evaluated 2026-07-11.

Conditions:
CDH23-related disorder. Also called: CDH23-related disorders; CDH23-related condition.

Submissions (2):

PreventionGenetics, part of Exact Sciences
Classification: Uncertain significance for CDH23-related condition. Last evaluated: 2026-07-11. Review status: criteria provided, single submitter. Criteria: ACMG Guidelines, 2015. Collection method: clinical testing. Allele origin: germline.
Comment: The CDH23 c.9401A>G variant is predicted to result in the amino acid substitution p.Asp3134Gly. To our knowledge, this variant has not been reported in the literature. This variant is reported in 0.0056% of alleles in individuals of East Asian descent in gnomAD. At this time, the clinical significance of this variant is uncertain due to the absence of conclusive functional and genetic evidence.

Blueprint Genetics
Classification: Uncertain significance. Last evaluated: 2023-07-07. Review status: criteria provided, single submitter. Criteria: ACMG Guidelines, 2015. Collection method: clinical testing. Allele origin: germline.